The following is an entry in ClinVar:

ClinVar aggregate classification (germline): Uncertain significance (1 of 4 stars; one submission).

Conditions:
Familial adenomatous polyposis 1 (FAP1). Also called: FAMILIAL ADENOMATOUS POLYPOSIS 1, ATTENUATED; POLYPOSIS, ADENOMATOUS INTESTINAL. Identifiers: MedGen C2713442, MONDO:0021056, OMIM 175100. Disease mechanism: loss of function.

Submission:

Labcorp Genetics (formerly Invitae), Labcorp
Classification: Uncertain significance for Familial adenomatous polyposis 1. Last evaluated: 2021-06-29. Review status: criteria provided, single submitter. Criteria: Invitae Variant Classification Sherloc (09022015). Collection method: clinical testing. Allele origin: germline.
Comment: Algorithms developed to predict the effect of missense changes on protein structure and function output the following: SIFT: "Tolerated"; PolyPhen-2: "Benign"; Align-GVGD: "Class C0". The methionine amino acid residue is found in multiple mammalian species, suggesting that this missense change does not adversely affect protein function. These predictions have not been confirmed by published functional studies and their clinical significance is uncertain. In summary, the available evidence is currently insufficient to determine the role of this variant in disease. Therefore, it has been classified as a Variant of Uncertain Significance. This variant has not been reported in the literature in individuals with APC-related conditions. This variant is not present in population databases (ExAC no frequency). This sequence change replaces isoleucine with methionine at codon 2615 of the APC protein (p.Ile2615Met). The isoleucine residue is highly conserved and there is a small physicochemical difference between isoleucine and methionine.

NM_000038.6(APC):c.7845A>G (p.Ile2615Met)

Gene: APC (APC regulator of Wnt signaling pathway; plus strand). Cytogenetic location: 5q22.2.
Variant type: single nucleotide variant.
Coding change: c.7845A>G on transcript NM_000038.6 (MANE Select); coding-DNA position 7845, A replaced by G.
Protein change: p.Ile2615Met; replaces isoleucine 2615 with methionine.
Molecular consequence: missense variant.
Genome position (GRCh38, 1-based): chr5:112,843,439, A>G. VCF-style: chr5-112843439-A-G. GRCh37 (hg19) VCF-style: chr5-112179136-A-G.
Other names: c.7845A>G, p.Ile2615Met (NM_001127510.3, NM_001354895.2); c.7791A>G, p.Ile2597Met (NM_001127511.3); c.7899A>G, p.Ile2633Met (NM_001354896.2); c.7875A>G, p.Ile2625Met (NM_001354897.2); c.7770A>G, p.Ile2590Met (NM_001354898.2); c.7761A>G, p.Ile2587Met (NM_001354899.2); c.7722A>G, p.Ile2574Met (NM_001354900.2); c.7668A>G, p.Ile2556Met (NM_001354901.2); and 5 more; short protein forms I2455M, I2556M, I2574M, I2615M, I2332M, I2524M, I2587M, I2625M.
Identifiers: ClinVar variation 1435937 (VCV001435937.8), dbSNP rs2149994800, ClinGen allele CA16038376.
Genomic context (GRCh38, chr5:112,843,439, plus strand): 5'-TTCAGGAACCAAACAAAGTAAAGAAAACCAAGTATCCGCAAAAGGAACATGGAGAAAAAT[A>G]AAAGAAAATGAATTTTCTCCCACAAATAGTACTTCTCAGACCGTTTCCTCAGGTGCTACA-3'
Protein context (NP_000029.2, residues 2605-2625): QVSAKGTWRK[Ile2615Met]KENEFSPTNS